The following is an entry in ClinVar:

ClinVar aggregate classification (germline): Pathogenic (1 of 4 stars; one submission).

Submission:

Labcorp Genetics (formerly Invitae), Labcorp
Classification: Pathogenic. Last evaluated: 2023-04-03. Review status: criteria provided, single submitter. Criteria: Invitae Variant Classification Sherloc (09022015). Collection method: clinical testing. Allele origin: germline.
Comment: For these reasons, this variant has been classified as Pathogenic. This variant has not been reported in the literature in individuals affected with NPHS1-related conditions. This variant is not present in population databases (gnomAD no frequency). This sequence change creates a premature translational stop signal (p.Asp942Thrfs*6) in the NPHS1 gene. It is expected to result in an absent or disrupted protein product. Loss-of-function variants in NPHS1 are known to be pathogenic (PMID: 11317351, 11854170, 12039988).

Literature cited by the submitters: PubMed 11317351; PubMed 11854170; PubMed 12039988.

NM_004646.4(NPHS1):c.2824del (p.Asp942fs)

Gene: NPHS1 (NPHS1 adhesion molecule, nephrin; minus strand). Cytogenetic location: 19q13.12.
Variant type: Deletion.
Coding change: c.2824del on transcript NM_004646.4 (MANE Select); coding-DNA position 2824, one base deleted (G; older notation c.2824delG).
Protein change: p.Asp942fs; shifts the reading frame from aspartic acid 942.
Molecular consequence: frameshift variant.
Genome position (GRCh38, 1-based): chr19:35,839,599, C deleted on the plus strand (G on the coding strand, the reverse complement: NPHS1 is on the minus strand). VCF-style (leftmost placement, unchanged base first): chr19-35839598-TC-T. GRCh37 (hg19) VCF-style: chr19-36330500-TC-T.
Other names: short protein forms D942fs.
Identifiers: ClinVar variation 2851661 (VCV002851661.3), dbSNP rs2513766238, ClinGen allele CA2739276665.